The following is an entry in ClinVar:

ClinVar aggregate classification (germline): Uncertain significance. Review status: criteria provided, multiple submitters, no conflicts (2 of 4 stars). 2 submissions from 2 submitters: Uncertain significance (2). Last evaluated 2024-12-14.

Conditions:
Colorectal cancer, hereditary nonpolyposis, type 7. Identifiers: Orphanet 144, MedGen C1858380, MONDO:0013725, OMIM 614385.

gnomAD v4.1: 5 of 1,613,908 alleles (0.00031%); highest among the groups gnomAD compares: Admixed American, 0.005%; no homozygotes.

Submissions (2):

Ambry Genetics
Classification: Uncertain significance. Last evaluated: 2024-12-14. Review status: criteria provided, single submitter. Criteria: Ambry Variant Classification Scheme 2023. Collection method: clinical testing. Allele origin: germline.
Comment: The p.K222N variant (also known as c.666G>C), located in coding exon 1 of the MLH3 gene, results from a G to C substitution at nucleotide position 666. The lysine at codon 222 is replaced by asparagine, an amino acid with similar properties. This alteration was identified in 1/1358 non-cancer control individuals and in 0/57 cases, in a study looking at cancer predisposition mutations in patients with cutaneous melanoma and a history of at least two additional non-cutaneous melanoma primary cancers (Pritchard AL et al. PLoS One, 2018 Apr;13:e0194098). This amino acid position is well conserved in available vertebrate species. In addition, this alteration is predicted to be tolerated by in silico analysis. Since supporting evidence is limited at this time, the clinical significance of this alteration remains unclear.

Labcorp Genetics (formerly Invitae), Labcorp
Classification: Uncertain significance for Colorectal cancer, hereditary nonpolyposis, type 7. Last evaluated: 2024-01-11. Review status: criteria provided, single submitter. Criteria: Invitae Variant Classification Sherloc (09022015). Collection method: clinical testing. Allele origin: germline.
Comment: This sequence change replaces lysine, which is basic and polar, with asparagine, which is neutral and polar, at codon 222 of the MLH3 protein (p.Lys222Asn). This variant is not present in population databases (gnomAD no frequency). This variant has not been reported in the literature in individuals affected with MLH3-related conditions. ClinVar contains an entry for this variant (Variation ID: 1754792). An algorithm developed to predict the effect of missense changes on protein structure and function (PolyPhen-2) suggests that this variant is likely to be disruptive. In summary, the available evidence is currently insufficient to determine the role of this variant in disease. Therefore, it has been classified as a Variant of Uncertain Significance.

Literature cited by the submitters: PubMed 29641532 (cited by Ambry Genetics).

NM_001040108.2(MLH3):c.666G>C (p.Lys222Asn)

Gene: MLH3 (mutL homolog 3; minus strand). Cytogenetic location: 14q24.3.
Variant type: single nucleotide variant.
Coding change: c.666G>C on transcript NM_001040108.2 (MANE Select); coding-DNA position 666, G replaced by C.
Protein change: p.Lys222Asn; replaces lysine 222 with asparagine.
Molecular consequence: missense variant.
Genome position (GRCh38, 1-based): chr14:75,048,990, C>G on the plus strand (G>C on the coding strand, the complement: MLH3 is on the minus strand). VCF-style: chr14-75048990-C-G. GRCh37 (hg19) VCF-style: chr14-75515693-C-G.
Other names: c.666G>C, p.Lys222Asn (NM_014381.3); short protein forms K222N.
Identifiers: ClinVar variation 1754792 (VCV001754792.7), dbSNP rs28756980, ClinGen allele CA390449661.